The following is an entry in ClinVar:

ClinVar aggregate classification (germline): Benign (1 of 4 stars; one submission).

Conditions:
Qualitative or quantitative defects of delta-sarcoglycan. Identifiers: Orphanet 207070, MedGen C5680806, MONDO:0016144.

Allele frequency attached by ClinVar (database versions not stated): gnomAD 0.14424; TOPMed 0.16559; gnomAD exomes 0.16667; 1000 Genomes Project 0.18331; 1000 Genomes Project 30x 0.19097.
gnomAD v4.1: 22,603 of 152,136 alleles (15%); highest among the groups gnomAD compares: African/African-American, 38%; 3,369 homozygotes.

Submission:

Illumina Laboratory Services, Illumina
Classification: Benign for Qualitative or quantitative defects of delta-sarcoglycan. Last evaluated: 2018-01-13. Review status: criteria provided, single submitter. Criteria: ICSL Variant Classification Criteria 13 December 2019. Collection method: clinical testing. Allele origin: germline.
Comment: This variant was observed in the ICSL laboratory as part of a predisposition screen in an ostensibly healthy population. It had not been previously curated by ICSL or reported in the Human Gene Mutation Database (HGMD: prior to June 1st, 2018), and was therefore a candidate for classification through an automated scoring system. Utilizing variant allele frequency, disease prevalence and penetrance estimates, and inheritance mode, an automated score was calculated to assess if this variant is too frequent to cause the disease. Based on the score and internal cut-off values, a variant classified as benign is not then subjected to further curation. The score for this variant resulted in a classification of benign for this disease.

NM_000337.6(SGCD):c.*781G>C

Gene: SGCD (sarcoglycan delta; plus strand). Cytogenetic location: 5q33.3.
Variant type: single nucleotide variant.
Coding change: c.*781G>C on transcript NM_000337.6 (MANE Select); 781 bases downstream of the stop codon, G replaced by C.
Molecular consequence: 3 prime UTR variant.
Genome position (GRCh38, 1-based): chr5:156,760,171, G>C. VCF-style: chr5-156760171-G-C. GRCh37 (hg19) VCF-style: chr5-156187182-G-C.
Other names: c.*781G>C (NM_001128209.2).
Identifiers: ClinVar variation 352347 (VCV000352347.6), dbSNP rs3857412, ClinGen allele CA10621024.